The following is an entry in ClinVar:

ClinVar aggregate classification (germline): Uncertain significance (1 of 4 stars; one submission).

Conditions:
Idiopathic generalized epilepsy. Also called: EIG; Generalised epilepsy. Identifiers: MedGen C0270850, MONDO:0005579, OMIM 600669.
Hyperaldosteronism, familial, type IV (HALD4). Also called: FH IV; ALDOSTERONISM, PRIMARY, AND HYPERTENSION. Identifiers: Orphanet 642671, MedGen C4310756, MONDO:0014875, OMIM 617027.

Allele frequency attached by ClinVar (database versions not stated): gnomAD exomes 0.00002 and 0.00003; TOPMed 0.00002; ExAC 0.00003; gnomAD 0.00003.
gnomAD v4.1: 36 of 1,609,642 alleles (0.0022%); highest among the groups gnomAD compares: Middle Eastern, 0.018%; no homozygotes.

Submission:

Labcorp Genetics (formerly Invitae), Labcorp
Classification: Uncertain significance for Idiopathic generalized epilepsy; Hyperaldosteronism, familial, type IV. Last evaluated: 2024-11-16. Review status: criteria provided, single submitter. Criteria: Invitae Variant Classification Sherloc (09022015). Collection method: clinical testing. Allele origin: germline.
Comment: This sequence change replaces arginine, which is basic and polar, with tryptophan, which is neutral and slightly polar, at codon 1577 of the CACNA1H protein (p.Arg1577Trp). This variant is present in population databases (rs748925694, gnomAD 0.01%). This variant has not been reported in the literature in individuals affected with CACNA1H-related conditions. ClinVar contains an entry for this variant (Variation ID: 953734). Invitae Evidence Modeling of protein sequence and biophysical properties (such as structural, functional, and spatial information, amino acid conservation, physicochemical variation, residue mobility, and thermodynamic stability) indicates that this missense variant is expected to disrupt CACNA1H protein function with a positive predictive value of 80%. In summary, the available evidence is currently insufficient to determine the role of this variant in disease. Therefore, it has been classified as a Variant of Uncertain Significance.

NM_021098.3(CACNA1H):c.4729C>T (p.Arg1577Trp)

Gene: CACNA1H (calcium voltage-gated channel subunit alpha1 H; plus strand). Cytogenetic location: 16p13.3.
Variant type: single nucleotide variant.
Coding change: c.4729C>T on transcript NM_021098.3 (MANE Select); coding-DNA position 4729, C replaced by T.
Protein change: p.Arg1577Trp; replaces arginine 1577 with tryptophan.
Molecular consequence: missense variant.
Genome position (GRCh38, 1-based): chr16:1,212,108, C>T. VCF-style: chr16-1212108-C-T. GRCh37 (hg19) VCF-style: chr16-1262108-C-T.
Other names: c.4729C>T, p.Arg1577Trp (NM_001005407.2); short protein forms R1577W.
Identifiers: ClinVar variation 953734 (VCV000953734.9), dbSNP rs748925694, ClinGen allele CA7801506.